The following is an entry in ClinVar:

ClinVar aggregate classification (germline): Uncertain significance. Review status: criteria provided, multiple submitters, no conflicts (2 of 4 stars). 2 submissions from 2 submitters: Uncertain significance (2). Last evaluated 2025-05-05.

Conditions:
Bartter disease type 5. Also called: Bartter syndrome, type 5, antenatal, transient. Identifiers: Orphanet 112, Orphanet 570371, MedGen C4310820, MONDO:0010503, OMIM 300971.

Allele frequency attached by ClinVar (database versions not stated): TOPMed below 0.00001; ExAC 0.00002; gnomAD exomes 0.00003.
gnomAD v4.1: 29 of 1,197,139 alleles (0.0024%); highest among the groups gnomAD compares: Non-Finnish European, 0.0032%; no homozygotes.

Submissions (2):

Labcorp Genetics (formerly Invitae), Labcorp
Classification: Uncertain significance. Last evaluated: 2025-05-05. Review status: criteria provided, single submitter. Criteria: Invitae Variant Classification Sherloc (09022015). Collection method: clinical testing. Allele origin: germline.
Comment: This sequence change replaces proline, which is neutral and non-polar, with serine, which is neutral and polar, at codon 153 of the MAGED2 protein (p.Pro153Ser). This variant is present in population databases (rs746508104, gnomAD 0.009%), including at least one homozygous and/or hemizygous individual. This variant has not been reported in the literature in individuals affected with MAGED2-related conditions. ClinVar contains an entry for this variant (Variation ID: 2096189). An algorithm developed to predict the effect of missense changes on protein structure and function outputs the following: PolyPhen-2: "Benign". The serine amino acid residue is found in multiple mammalian species, which suggests that this missense change does not adversely affect protein function. In summary, the available evidence is currently insufficient to determine the role of this variant in disease. Therefore, it has been classified as a Variant of Uncertain Significance.

Fulgent Genetics
Classification: Uncertain significance for Bartter disease type 5. Last evaluated: 2024-05-09. Review status: criteria provided, single submitter. Criteria: ACMG Guidelines, 2015. Collection method: clinical testing. Allele origin: germline.

NM_177433.3(MAGED2):c.457C>T (p.Pro153Ser)

Gene: MAGED2 (MAGE family member D2; plus strand). Cytogenetic location: Xp11.21.
Variant type: single nucleotide variant.
Coding change: c.457C>T on transcript NM_177433.3 (MANE Select); coding-DNA position 457, C replaced by T.
Protein change: p.Pro153Ser; replaces proline 153 with serine.
Molecular consequence: missense variant.
Genome position (GRCh38, 1-based): chrX:54,810,133, C>T. VCF-style: chrX-54810133-C-T. GRCh37 (hg19) VCF-style: chrX-54836566-C-T.
Other names: c.457C>T, p.Pro153Ser (NM_014599.6, NM_201222.3); short protein forms P153S.
Identifiers: ClinVar variation 2096189 (VCV002096189.5), dbSNP rs746508104, ClinGen allele CA10426678.